The following is an entry in ClinVar:

NM_015466.4(PTPN23):c.4149G>T (p.Pro1383=)

Gene: PTPN23 (protein tyrosine phosphatase non-receptor type 23; plus strand). Cytogenetic location: 3p21.31.
Variant type: single nucleotide variant.
Coding change: c.4149G>T on transcript NM_015466.4 (MANE Select); coding-DNA position 4149, G replaced by T.
Protein change: p.Pro1383=; no amino-acid change (proline 1383 retained).
Molecular consequence: synonymous variant.
Genome position (GRCh38, 1-based): chr3:47,412,169, G>T. VCF-style: chr3-47412169-G-T. GRCh37 (hg19) VCF-style: chr3-47453659-G-T.
Other names: c.3771G>T, p.Pro1257= (NM_001304482.2).
Identifiers: ClinVar variation 781709 (VCV000781709.35), dbSNP rs147959396, ClinGen allele CA2366478.
Genomic context (GRCh38, chr3:47,412,169, plus strand): 5'-CCCCAGCAACTTGCTGCGCTTCATCCAGGAGGTGCACGCACATTACCTGCATCAGCGGCC[G>T]CTGCACACGCCCATCATTGTGCACTGCAGGTAGAGGGTGGGCCTGAGGGTCTCTCCTCTA-3'
Protein context (NP_056281.1, residues 1373-1393): EVHAHYLHQR[Pro1383=]LHTPIIVHCS

ClinVar aggregate classification (germline): Benign/Likely benign. Review status: criteria provided, multiple submitters, no conflicts (2 of 4 stars). 4 submissions from 4 submitters: Benign (3); Likely benign (1). Last evaluated 2026-05-01.

Conditions:
Neurodevelopmental disorder and structural brain anomalies with or without seizures and spasticity. Identifiers: MedGen C5394423, MONDO:0030046, OMIM 618890.

Allele frequency attached by ClinVar (database versions not stated): 1000 Genomes Project 30x 0.00094; 1000 Genomes Project 0.00100; gnomAD 0.00197; ESP Exome Variant Server 0.00315.
gnomAD v4.1: 6,706 of 1,613,146 alleles (0.42%); highest among the groups gnomAD compares: Admixed American, 0.62%; 32 homozygotes.

Submissions (4):

CeGaT Center for Human Genetics Tuebingen
Classification: Likely benign. Last evaluated: 2026-05-01. Review status: criteria provided, single submitter. Criteria: CeGaT Center For Human Genetics Tuebingen Variant Classification Criteria Version 2. Collection method: clinical testing. Allele origin: germline. Affected: yes. Observed: 21 variant alleles.
Comment: PTPN23: BP4, BP7, BS2

Labcorp Genetics (formerly Invitae), Labcorp
Classification: Benign. Last evaluated: 2026-02-03. Review status: criteria provided, single submitter. Criteria: Invitae Variant Classification Sherloc (09022015). Collection method: clinical testing. Allele origin: germline.

ARUP Laboratories, Molecular Genetics and Genomics, ARUP Laboratories
Classification: Benign for Neurodevelopmental disorder and structural brain anomalies with or without seizures and spasticity. Last evaluated: 2024-04-26. Review status: criteria provided, single submitter. Criteria: ARUP Molecular Germline Variant Investigation Process 2024. Collection method: clinical testing. Allele origin: germline.

Breakthrough Genomics
Classification: Benign. Review status: criteria provided, single submitter. Criteria: ACMG Guidelines, 2015. Collection method: not provided. Allele origin: germline. Inheritance: Autosomal recessive inheritance. Affected: yes.